The following is an entry in ClinVar:

NM_001113525.2(ZNF276):c.1333T>C (p.Tyr445His)

Gene: ZNF276 (zinc finger protein 276; plus strand). Cytogenetic location: 16q24.3.
Variant type: single nucleotide variant.
Coding change: c.1333T>C on transcript NM_001113525.2 (MANE Select); coding-DNA position 1333, T replaced by C.
Protein change: p.Tyr445His; replaces tyrosine 445 with histidine.
Molecular consequence: missense variant. On other transcripts: non-coding transcript variant (4).
Genome position (GRCh38, 1-based): chr16:89,733,534, T>C. VCF-style: chr16-89733534-T-C. GRCh37 (hg19) VCF-style: chr16-89799942-T-C.
Other names: c.1108T>C, p.Tyr370His (NM_152287.4); short protein forms Y370H, Y445H.
Identifiers: ClinVar variation 2280215 (VCV002280215.26), dbSNP rs779184611, ClinGen allele CA8250260.

ClinVar aggregate classification (germline): Uncertain significance. Review status: criteria provided, multiple submitters, no conflicts (2 of 4 stars). 2 submissions from 2 submitters: Uncertain significance (2). Last evaluated 2025-06-10.

Allele frequency attached by ClinVar (database versions not stated): gnomAD 0.00001; ExAC 0.00002; gnomAD exomes 0.00003; TOPMed 0.00003.
gnomAD v4.1: 44 of 1,613,972 alleles (0.0027%); highest among the groups gnomAD compares: Middle Eastern, 0.05%; no homozygotes.

Submissions (2):

Ambry Genetics
Classification: Uncertain significance. Last evaluated: 2025-06-10. Review status: criteria provided, single submitter. Criteria: Ambry Variant Classification Scheme 2023. Collection method: clinical testing. Allele origin: germline.

CeGaT Center for Human Genetics Tuebingen
Classification: Uncertain significance. Last evaluated: 2023-09-01. Review status: criteria provided, single submitter. Criteria: CeGaT Center For Human Genetics Tuebingen Variant Classification Criteria Version 2. Collection method: clinical testing. Allele origin: germline. Affected: yes. Observed: 1 variant allele.
Comment: ZNF276: PM2, PP3